The following is an entry in ClinVar:

NM_001083962.2(TCF4):c.188del (p.Gly63fs)

Genes: TCF4 (transcription factor 4; minus strand), TCF4-AS1 (TCF4 antisense RNA 1; plus strand). Cytogenetic location: 18q21.2.
Variant type: Deletion.
Coding change: c.188del on transcript NM_001083962.2 (MANE Select); coding-DNA position 188, one base deleted (G; older notation c.188delG).
Protein change: p.Gly63fs; shifts the reading frame from glycine 63.
Molecular consequence: frameshift variant.
Genome position (GRCh38, 1-based): chr18:55,464,095, C deleted on the plus strand (G on the coding strand, the reverse complement: TCF4 is on the minus strand); the first of 2 consecutive C bases (chr18:55,464,095-55,464,096); deleting either gives the same sequence. VCF-style (leftmost placement, unchanged base first): chr18-55464094-TC-T. GRCh37 (hg19) VCF-style: chr18-53131325-TC-T.
Other names: c.494del, p.Gly165fs (NM_001243226.3); c.116del, p.Gly39fs (NM_001243227.2, NM_001306207.1, NM_001369575.1 and 15 more transcripts); c.188del, p.Gly63fs (NM_001243228.2, NM_001330604.3, NM_001369572.1 and 8 more transcripts); c.182del, p.Gly61fs (NM_001243230.2); c.62del, p.Gly21fs (NM_001243231.2, NM_001348211.2); short protein forms G165fs, G61fs, G21fs, G39fs, G63fs.
Identifiers: ClinVar variation 1412517 (VCV001412517.6), dbSNP rs2144896799, ClinGen allele CA2573155436.
Genomic context (GRCh38, chr18:55,464,094, plus strand): 5'-GTGGGATGTCTGGTTGTGGGAGAAAAGATTAGATATACTTACCCTGGACGGGCTTGGATG[TC>T]CTCCATTCCCCCAGGACCCTGAGCTACTTCTGTCTTCTACATCTAGGGACAAGAGAAAAG-3'

ClinVar aggregate classification (germline): Pathogenic (1 of 4 stars; one submission).

Conditions:
Pitt-Hopkins syndrome (PTHS). Also called: MENTAL RETARDATION, SYNDROMAL, WITH INTERMITTENT HYPERVENTILATION; ENCEPHALOPATHY, SEVERE EPILEPTIC, WITH AUTONOMIC DYSFUNCTION. Identifiers: Orphanet 2896, MedGen C1970431, MONDO:0012589, OMIM 610954.

Submission:

Labcorp Genetics (formerly Invitae), Labcorp
Classification: Pathogenic for Pitt-Hopkins syndrome. Last evaluated: 2021-08-11. Review status: criteria provided, single submitter. Criteria: Invitae Variant Classification Sherloc (09022015). Collection method: clinical testing. Allele origin: germline.
Comment: This sequence change creates a premature translational stop signal (p.Gly63Aspfs*18) in the TCF4 gene. It is expected to result in an absent or disrupted protein product. Loss-of-function variants in TCF4 are known to be pathogenic (PMID: 18728071, 22045651). This variant is not present in population databases (ExAC no frequency). This variant has not been reported in the literature in individuals affected with TCF4-related conditions. For these reasons, this variant has been classified as Pathogenic.

Literature cited by the submitters: PubMed 18728071; PubMed 22045651.